The following is an entry in ClinVar:

NM_001085487.3(MYSM1):c.1702A>G (p.Ser568Gly)

Gene: MYSM1 (Myb like, SWIRM and MPN domains 1; minus strand). Cytogenetic location: 1p32.1.
Variant type: single nucleotide variant.
Coding change: c.1702A>G on transcript NM_001085487.3 (MANE Select); coding-DNA position 1702, A replaced by G.
Protein change: p.Ser568Gly; replaces serine 568 with glycine.
Molecular consequence: missense variant.
Genome position (GRCh38, 1-based): chr1:58,668,998, T>C on the plus strand (A>G on the coding strand, the complement: MYSM1 is on the minus strand). VCF-style: chr1-58668998-T-C. GRCh37 (hg19) VCF-style: chr1-59134670-T-C.
Other names: short protein forms S568G.
Identifiers: ClinVar variation 2836065 (VCV002836065.3), dbSNP rs2524190028, ClinGen allele CA340520099.

ClinVar aggregate classification (germline): Uncertain significance (1 of 4 stars; one submission).

Submission:

Labcorp Genetics (formerly Invitae), Labcorp
Classification: Uncertain significance. Last evaluated: 2023-02-10. Review status: criteria provided, single submitter. Criteria: Invitae Variant Classification Sherloc (09022015). Collection method: clinical testing. Allele origin: germline.
Comment: This sequence change replaces serine, which is neutral and polar, with glycine, which is neutral and non-polar, at codon 568 of the MYSM1 protein (p.Ser568Gly). This variant is not present in population databases (gnomAD no frequency). This variant has not been reported in the literature in individuals affected with MYSM1-related conditions. Advanced modeling of protein sequence and biophysical properties (such as structural, functional, and spatial information, amino acid conservation, physicochemical variation, residue mobility, and thermodynamic stability) performed at Invitae indicates that this missense variant is not expected to disrupt MYSM1 protein function. In summary, the available evidence is currently insufficient to determine the role of this variant in disease. Therefore, it has been classified as a Variant of Uncertain Significance.